The following is an entry in ClinVar:

NM_020987.5(ANK3):c.5329C>T (p.Pro1777Ser)

Gene: ANK3 (ankyrin 3; minus strand). Cytogenetic location: 10q21.2.
Variant type: single nucleotide variant.
Coding change: c.5329C>T on transcript NM_020987.5 (MANE Select); coding-DNA position 5329, C replaced by T.
Protein change: p.Pro1777Ser; replaces proline 1777 with serine.
Molecular consequence: missense variant. On other transcripts: intron variant (4).
Genome position (GRCh38, 1-based): chr10:60,075,552, G>A on the plus strand (C>T on the coding strand, the complement: ANK3 is on the minus strand). VCF-style: chr10-60075552-G-A. GRCh37 (hg19) VCF-style: chr10-61835310-G-A.
Other names: c.4387+4985C>T (NM_001204403.2); c.4408+4985C>T (NM_001204404.2); c.4405+4985C>T (NM_001320874.2); c.1807+4985C>T (NM_001149.4); short protein forms P1777S.
Identifiers: ClinVar variation 2882893 (VCV002882893.3), dbSNP rs140551868, ClinGen allele CA5512031.
Genomic context (GRCh38, chr10:60,075,552, plus strand): 5'-CGGAAGGAGTTCTTAGAGACTGAAAAGCTGATGGTGCTGCAGAAACATATGACCTGAGTG[G>A]GGAAAATGGCATTGCAGTCGTGGTAGAAAACACTTTCTCAACTGTGTCAGTGGCTGCACT-3'
Protein context (NP_066267.2, residues 1767-1787): FSTTTAMPFS[Pro1777Ser]LRSYVSAAPS

ClinVar aggregate classification (germline): Uncertain significance (1 of 4 stars; one submission).

Allele frequency attached by ClinVar (database versions not stated): ExAC 0.00003; TOPMed 0.00007; gnomAD 0.00009; gnomAD exomes 0.00011; ESP Exome Variant Server 0.00015.
gnomAD v4.1: 175 of 1,613,892 alleles (0.011%); highest among the groups gnomAD compares: Non-Finnish European, 0.014%; no homozygotes.

Submission:

Labcorp Genetics (formerly Invitae), Labcorp
Classification: Uncertain significance. Last evaluated: 2023-03-16. Review status: criteria provided, single submitter. Criteria: Invitae Variant Classification Sherloc (09022015). Collection method: clinical testing. Allele origin: germline.
Comment: In summary, the available evidence is currently insufficient to determine the role of this variant in disease. Therefore, it has been classified as a Variant of Uncertain Significance. Advanced modeling of protein sequence and biophysical properties (such as structural, functional, and spatial information, amino acid conservation, physicochemical variation, residue mobility, and thermodynamic stability) performed at Invitae indicates that this missense variant is not expected to disrupt ANK3 protein function. This variant has not been reported in the literature in individuals affected with ANK3-related conditions. This variant is present in population databases (rs140551868, gnomAD 0.007%). This sequence change replaces proline, which is neutral and non-polar, with serine, which is neutral and polar, at codon 1777 of the ANK3 protein (p.Pro1777Ser).